The following is an entry in ClinVar:

NM_016222.4(DDX41):c.199G>C (p.Gly67Arg)

Gene: DDX41 (DEAD-box helicase 41; minus strand). Cytogenetic location: 5q35.3.
Variant type: single nucleotide variant.
Coding change: c.199G>C on transcript NM_016222.4 (MANE Select); coding-DNA position 199, G replaced by C.
Protein change: p.Gly67Arg; replaces glycine 67 with arginine.
Molecular consequence: missense variant. On other transcripts: 5 prime UTR variant (2).
Genome position (GRCh38, 1-based): chr5:177,516,387, C>G on the plus strand (G>C on the coding strand, the complement: DDX41 is on the minus strand). VCF-style: chr5-177516387-C-G. GRCh37 (hg19) VCF-style: chr5-176943388-C-G.
Other names: c.-180G>C (NM_001321732.2, NM_001321830.2); short protein forms G67R.
Identifiers: ClinVar variation 2300665 (VCV002300665.9), dbSNP rs970338234, ClinGen allele CA362377324.

ClinVar aggregate classification (germline): Conflicting classifications of pathogenicity. Review status: criteria provided, conflicting classifications (1 of 4 stars). 4 submissions from 4 submitters: Uncertain significance (3); Likely benign (1). Last evaluated 2026-01-06.

Conditions:
DDX41-related hematologic malignancy predisposition syndrome. Also called: Myeloproliferative/lymphoproliferative neoplasms, familial (multiple types), susceptibility to; DDX41-Associated Familial Myelodysplastic Syndrome and Acute Myeloid Leukemia. Identifiers: Orphanet 488647, MedGen C4225174, MONDO:0014809, OMIM 616871.
Inborn genetic diseases. Identifiers: MedGen C0950123, MeSH D030342.

gnomAD v4.1: 56 of 1,613,878 alleles (0.0035%); highest among the groups gnomAD compares: Non-Finnish European, 0.0047%; no homozygotes.

Submissions (4):

Labcorp Genetics (formerly Invitae), Labcorp
Classification: Uncertain significance. Last evaluated: 2026-01-06. Review status: criteria provided, single submitter. Criteria: Invitae Variant Classification Sherloc (09022015). Collection method: clinical testing. Allele origin: germline.
Comment: This sequence change replaces glycine, which is neutral and non-polar, with arginine, which is basic and polar, at codon 67 of the DDX41 protein (p.Gly67Arg). This variant is present in population databases (no rsID available, gnomAD 0.002%). This missense change has been observed in individual(s) with DDX41-related conditions (PMID: 35671390, 37506341). ClinVar contains an entry for this variant (Variation ID: 2300665). An algorithm developed to predict the effect of missense changes on protein structure and function (PolyPhen-2) suggests that this variant is likely to be disruptive. In summary, the available evidence is currently insufficient to determine the role of this variant in disease. Therefore, it has been classified as a Variant of Uncertain Significance.

GeneDx
Classification: Uncertain significance. Last evaluated: 2025-08-12. Review status: criteria provided, single submitter. Criteria: GeneDx Variant Classification Process June 2021. Collection method: clinical testing. Allele origin: germline.
Comment: Not observed at significant frequency in large population cohorts (gnomAD); In silico analysis suggests that this missense variant does not alter protein structure/function; Reported as a presumed DDX41 germline variant in individuals with acute myeloid leukemia (PMID: 35671390); This variant is associated with the following publications: (PMID: 37506341, 35671390)

Ambry Genetics
Classification: Likely benign for Inborn genetic diseases. Last evaluated: 2024-10-17. Review status: criteria provided, single submitter. Criteria: Ambry Variant Classification Scheme 2023. Collection method: clinical testing. Allele origin: germline.

Baylor Genetics
Classification: Uncertain significance for DDX41-related hematologic malignancy predisposition syndrome. Last evaluated: 2024-02-04. Review status: criteria provided, single submitter. Criteria: ACMG Guidelines, 2015. Collection method: clinical testing. Allele origin: unknown.

Literature cited by the submitters: PubMed 35671390 (cited by Labcorp Genetics (formerly Invitae), Labcorp); PubMed 37506341 (cited by Labcorp Genetics (formerly Invitae), Labcorp).